The following is an entry in ClinVar:

ClinVar aggregate classification (germline): Pathogenic/Likely pathogenic. Review status: criteria provided, multiple submitters, no conflicts (2 of 4 stars). 3 submissions from 3 submitters: Pathogenic (2); Likely pathogenic (1). Last evaluated 2025-08-22.

Conditions:
Capillary malformation-arteriovenous malformation syndrome. Also called: Capillary malformation-arteriovenous malformation. Identifiers: Orphanet 137667, MedGen C1842180, MONDO:0012016.
RASA1-related disorder. Also called: RASA1-related condition.

Submissions (3):

PreventionGenetics, part of Exact Sciences
Classification: Pathogenic for RASA1-related condition. Last evaluated: 2025-08-22. Review status: criteria provided, single submitter. Criteria: ACMG Guidelines, 2015. Collection method: clinical testing. Allele origin: germline.
Comment: The RASA1 c.1659C>A variant is predicted to result in premature protein termination (p.Tyr553*). This variant has been reported reported in an individual with capillary malformation-arteriovenous malformation (Parker et al 2021. PubMed ID: 33502802). This variant has not been reported in a large population database (gnomAD), indicating this variant is rare. Nonsense variants in RASA1 are expected to be pathogenic. This variant is interpreted as pathogenic.

Blueprint Genetics
Classification: Likely pathogenic for RASA1-related disorders. Last evaluated: 2019-09-02. Review status: criteria provided, single submitter. Criteria: ACMG Guidelines, 2015. Collection method: clinical testing. Allele origin: germline. Affected: yes. Observed: 1 variant allele.

Labcorp Genetics (formerly Invitae), Labcorp
Classification: Pathogenic for Capillary malformation-arteriovenous malformation syndrome. Last evaluated: 2017-10-09. Review status: criteria provided, single submitter. Criteria: Invitae Variant Classification Sherloc (09022015). Collection method: clinical testing. Allele origin: germline.
Comment: For these reasons, this variant has been classified as Pathogenic. Loss-of-function variants in RASA1 are known to be pathogenic (PMID: 24038909). This variant has not been reported in the literature in individuals with RASA1-related disease. This variant is not present in population databases (ExAC no frequency). This sequence change creates a premature translational stop signal (p.Tyr553*) in the RASA1 gene. It is expected to result in an absent or disrupted protein product.

Literature cited by the submitters: PubMed 24038909 (cited by Labcorp Genetics (formerly Invitae), Labcorp).

NM_002890.3(RASA1):c.1659C>A (p.Tyr553Ter)

Genes: CCNH (cyclin H; minus strand), RASA1 (RAS p21 protein activator 1; plus strand). Cytogenetic location: 5q14.3.
Variant type: single nucleotide variant.
Coding change: c.1659C>A on transcript NM_002890.3 (MANE Select); coding-DNA position 1659, C replaced by A.
Protein change: p.Tyr553Ter; replaces tyrosine 553 with a stop codon.
Molecular consequence: nonsense. On other transcripts: intron variant (1).
Genome position (GRCh38, 1-based): chr5:87,369,861, C>A. VCF-style: chr5-87369861-C-A. GRCh37 (hg19) VCF-style: chr5-86665678-C-A.
Other names: c.1128C>A, p.Tyr376Ter (NM_022650.3); c.933+25183G>T (NM_001364075.2); short protein forms Y553*, Y376*.
Identifiers: ClinVar variation 464854 (VCV000464854.11), dbSNP rs747745016, ClinGen allele CA360371928.